The following is an entry in ClinVar:

NM_004667.6(HERC2):c.4723G>A (p.Glu1575Lys)

Gene: HERC2 (HECT and RLD domain containing E3 ubiquitin protein ligase 2; minus strand). Cytogenetic location: 15q13.1.
Variant type: single nucleotide variant.
Coding change: c.4723G>A on transcript NM_004667.6 (MANE Select); coding-DNA position 4723, G replaced by A.
Protein change: p.Glu1575Lys; replaces glutamic acid 1575 with lysine.
Molecular consequence: missense variant.
Genome position (GRCh38, 1-based): chr15:28,230,453, C>T on the plus strand (G>A on the coding strand, the complement: HERC2 is on the minus strand). VCF-style: chr15-28230453-C-T. GRCh37 (hg19) VCF-style: chr15-28475599-C-T.
Other names: short protein forms E1575K.
Identifiers: ClinVar variation 807202 (VCV000807202.44), dbSNP rs772998165, ClinGen allele CA7442559.
Genomic context (GRCh38, chr15:28,230,453, plus strand): 5'-TCTTGTCCACATTTATTGGACTATGAGGCAAAATGCAAGCTTCTTCTAAATCACTCTCTT[C>T]GTTTCCAATTTTTTCTTCATCATCCGTAGATTCTGGCTTCTTAGGAACTGTGTTTTAAAA-3'
Protein context (NP_004658.3, residues 1565-1585): STDDEEKIGN[Glu1575Lys]ESDLEEACIL

ClinVar aggregate classification (germline): Uncertain significance. Review status: criteria provided, multiple submitters, no conflicts (2 of 4 stars). 2 submissions from 2 submitters: Uncertain significance (2). Last evaluated 2025-01-28.

Allele frequency attached by ClinVar (database versions not stated): gnomAD exomes below 0.00001; ExAC 0.00001; gnomAD 0.00002; TOPMed 0.00002.
gnomAD v4.1: 9 of 1,416,490 alleles (0.00064%); highest among the groups gnomAD compares: African/African-American, 0.0014%; no homozygotes.

Submissions (2):

Dasa
Classification: Uncertain significance. Last evaluated: 2025-01-28. Review status: criteria provided, single submitter. Criteria: DASA Assertion Criteria. Collection method: clinical testing. Allele origin: germline.
Comment: NM_004667.6(HERC2):c.4723G>A (p.Glu1575Lys) is a missense variant that results in the substitution of glutamic acid with lysine. This variant is rare in population databases. Computational prediction algorithms are consistent with a benign effect. The currently available literature and clinical evidence are not sufficient to establish a definitive association between this variant and the reported condition. Therefore, this variant is classified as a variant of uncertain significance.

CeGaT Center for Human Genetics Tuebingen
Classification: Uncertain significance. Last evaluated: 2018-03-01. Review status: criteria provided, single submitter. Criteria: CeGaT Center For Human Genetics Tuebingen Variant Classification Criteria Version 2. Collection method: clinical testing. Allele origin: germline. Affected: yes. Observed: 1 variant allele.